The following is an entry in ClinVar:

ClinVar aggregate classification (germline): Likely benign. Review status: criteria provided, single submitter (1 of 4 stars). 2 submissions from 2 submitters: Likely benign (1). 1 of the submissions does not count toward it. Last evaluated 2024-02-17.

Conditions:
CDAN1-related disorder. Also called: CDAN1-related condition.

Allele frequency attached by ClinVar (database versions not stated): gnomAD 0.00001; ExAC 0.00006.
gnomAD v4.1: 32 of 1,613,860 alleles (0.002%); highest among the groups gnomAD compares: Middle Eastern, 0.033%; no homozygotes.

Submissions (2):

Labcorp Genetics (formerly Invitae), Labcorp
Classification: Likely benign. Last evaluated: 2024-02-17. Review status: criteria provided, single submitter. Criteria: Invitae Variant Classification Sherloc (09022015). Collection method: clinical testing. Allele origin: germline.

PreventionGenetics, part of Exact Sciences
Classification: Likely benign for CDAN1-related condition. Last evaluated: 2021-04-06. Review status: no assertion criteria provided. Collection method: clinical testing. Allele origin: germline. Not counted in ClinVar's aggregate classification.
Comment: This variant is classified as likely benign based on ACMG/AMP sequence variant interpretation guidelines (Richards et al. 2015 PMID: 25741868, with internal and published modifications).

NM_138477.4(CDAN1):c.3273A>C (p.Ala1091=)

Gene: CDAN1 (codanin 1; minus strand). Cytogenetic location: 15q15.2.
Variant type: single nucleotide variant.
Coding change: c.3273A>C on transcript NM_138477.4 (MANE Select); coding-DNA position 3273, A replaced by C.
Protein change: p.Ala1091=; no amino-acid change (alanine 1091 retained).
Molecular consequence: synonymous variant.
Genome position (GRCh38, 1-based): chr15:42,725,666, T>G on the plus strand (A>C on the coding strand, the complement: CDAN1 is on the minus strand). VCF-style: chr15-42725666-T-G. GRCh37 (hg19) VCF-style: chr15-43017864-T-G.
Identifiers: ClinVar variation 3046542 (VCV003046542.4), dbSNP rs779362821, ClinGen allele CA7515188.